The following is an entry in ClinVar:

ClinVar aggregate classification (germline): Uncertain significance (1 of 4 stars; one submission).

Conditions:
Inborn genetic diseases. Identifiers: MedGen C0950123, MeSH D030342.

Submission:

Ambry Genetics
Classification: Uncertain significance for Inborn genetic diseases. Last evaluated: 2024-09-30. Review status: criteria provided, single submitter. Criteria: Ambry Variant Classification Scheme 2023. Collection method: clinical testing. Allele origin: germline.
Comment: The p.H1039R variant (also known as c.3116A>G), located in coding exon 24 of the LRRK2 gene, results from an A to G substitution at nucleotide position 3116. The histidine at codon 1039 is replaced by arginine, an amino acid with highly similar properties. This amino acid position is conserved. In addition, this alteration is predicted to be tolerated by in silico analysis. Based on the available evidence, the clinical significance of this variant remains unclear.

NM_198578.4(LRRK2):c.3116A>G (p.His1039Arg)

Gene: LRRK2 (leucine rich repeat kinase 2; plus strand). Cytogenetic location: 12q12.
Variant type: single nucleotide variant.
Coding change: c.3116A>G on transcript NM_198578.4 (MANE Select); coding-DNA position 3116, A replaced by G.
Protein change: p.His1039Arg; replaces histidine 1039 with arginine.
Molecular consequence: missense variant.
Genome position (GRCh38, 1-based): chr12:40,298,262, A>G. VCF-style: chr12-40298262-A-G. GRCh37 (hg19) VCF-style: chr12-40692064-A-G.
Other names: short protein forms H1039R.
Identifiers: ClinVar variation 3540712 (VCV003540712.1).